The following is an entry in ClinVar:

NM_000124.4(ERCC6):c.207dup (p.Pro70fs)

Gene: ERCC6 (ERCC excision repair 6, chromatin remodeling factor; minus strand). Cytogenetic location: 10q11.23.
Variant type: Duplication.
Coding change: c.207dup on transcript NM_000124.4 (MANE Select); coding-DNA position 207, one base duplicated (G; older notation c.207dupG).
Protein change: p.Pro70fs; shifts the reading frame from proline 70.
Molecular consequence: frameshift variant.
Genome position (GRCh38, 1-based): chr10:49,532,758, C duplicated on the plus strand (G on the coding strand, the reverse complement: ERCC6 is on the minus strand); the first of 3 consecutive C bases (chr10:49,532,758-49,532,760); duplicating any one gives the same sequence. VCF-style (leftmost placement, unchanged base first): chr10-49532757-G-GC. GRCh37 (hg19) VCF-style: chr10-50740803-G-GC.
Other names: c.207dup, p.Pro70fs (NM_001277058.2, NM_001277059.2, NM_001346440.2); c.207dupG (NM_000124.2); short protein forms P70fs.
Identifiers: ClinVar variation 556870 (VCV000556870.49), dbSNP rs1554794641, ClinGen allele CA658822528.

ClinVar aggregate classification (germline): Pathogenic/Likely pathogenic. Review status: criteria provided, multiple submitters, no conflicts (2 of 4 stars). 4 submissions from 4 submitters: Pathogenic (1); Likely pathogenic (2). 1 of the submissions does not count toward it. Last evaluated 2024-03-06.

Conditions:
DE SANCTIS-CACCHIONE SYNDROME. Identifiers: MedGen C0265201, MONDO:0010217, OMIM 278800.
Cockayne syndrome type 2 (CSB). Also called: Cockayne Syndrome, Type II; COCKAYNE SYNDROME B. Identifiers: Orphanet 191, Orphanet 90322, MedGen C0751038, MONDO:0019570, OMIM 133540.
Lung cancer. Also called: Lung cancer, somatic; Malignant tumor of lung. Identifiers: MedGen C0242379, MONDO:0008903, OMIM 211980.
Age related macular degeneration 5. Identifiers: MedGen C3151063, MONDO:0013409, OMIM 613761.
Premature ovarian failure 11 (POF11). Identifiers: MedGen C4310783, MONDO:0014843, OMIM 616946.
Cerebrooculofacioskeletal syndrome 1 (COFS1). Also called: Cerebro-oculo-facio-skeletal syndrome 1. Identifiers: MedGen C0220722, MONDO:0008955, OMIM 214150.
UV-sensitive syndrome 1 (UVSS1). Identifiers: Orphanet 178338, MedGen C3551173, MONDO:0010909, OMIM 600630.

Submissions (4):

Fulgent Genetics
Classification: Likely pathogenic for Cockayne syndrome type 2; Lung cancer; Cerebrooculofacioskeletal syndrome 1; DE SANCTIS-CACCHIONE SYNDROME; UV-sensitive syndrome 1; Age related macular degeneration 5; Premature ovarian failure 11. Last evaluated: 2024-03-06. Review status: criteria provided, single submitter. Criteria: ACMG Guidelines, 2015. Collection method: clinical testing. Allele origin: germline.

Labcorp Genetics (formerly Invitae), Labcorp
Classification: Pathogenic. Last evaluated: 2021-07-20. Review status: criteria provided, single submitter. Criteria: Invitae Variant Classification Sherloc (09022015). Collection method: clinical testing. Allele origin: germline.
Comment: This sequence change creates a premature translational stop signal (p.Pro70Alafs*17) in the ERCC6 gene. It is expected to result in an absent or disrupted protein product. Loss-of-function variants in ERCC6 are known to be pathogenic (PMID: 18628313, 29572252). For these reasons, this variant has been classified as Pathogenic. ClinVar contains an entry for this variant (Variation ID: 556870). This variant has not been reported in the literature in individuals affected with ERCC6-related conditions. This variant is not present in population databases (ExAC no frequency).

CeGaT Center for Human Genetics Tuebingen
Classification: Likely pathogenic. Last evaluated: 2020-02-01. Review status: criteria provided, single submitter. Criteria: CeGaT Center For Human Genetics Tuebingen Variant Classification Criteria Version 2. Collection method: clinical testing. Allele origin: germline. Affected: yes. Observed: 1 variant allele.

Counsyl
Classification: Likely pathogenic for Cockayne syndrome type 2; Cerebrooculofacioskeletal syndrome 1; DE SANCTIS-CACCHIONE SYNDROME. Last evaluated: 2018-02-22. Review status: no assertion criteria provided. Collection method: clinical testing. Allele origin: unknown. Not counted in ClinVar's aggregate classification.

Literature cited by the submitters: PubMed 18628313 (cited by Labcorp Genetics (formerly Invitae), Labcorp); PubMed 29572252 (cited by Labcorp Genetics (formerly Invitae), Labcorp).